The following is an entry in ClinVar:

ClinVar aggregate classification (germline): Benign. Review status: criteria provided, multiple submitters, no conflicts (2 of 4 stars). 2 submissions from 2 submitters: Benign (2). Last evaluated 2018-01-13.

Conditions:
Biotin-responsive basal ganglia disease (BTBGD). Also called: Thiamine Transporter-2 Deficiency; THIAMINE METABOLISM DYSFUNCTION SYNDROME 2 (BIOTIN- AND THIAMINE-RESPONSIVE TYPE); Thiamine metabolism dysfunction syndrome type 2; Thiamine metabolism dysfunction syndrome 2 (biotin- or thiamine-responsive encephalopathy type 2); thiamine-responsive encephalopathy. Identifiers: Orphanet 199348, Orphanet 65284, MedGen C1843807, MONDO:0011841, OMIM 607483.

Allele frequency attached by ClinVar (database versions not stated): gnomAD exomes 0.12500; 1000 Genomes Project 0.25160; 1000 Genomes Project 30x 0.25484; TOPMed 0.36049; gnomAD 0.38247.
gnomAD v4.1: 57,232 of 151,982 alleles (38%); highest among the groups gnomAD compares: Non-Finnish European, 46%; 11,628 homozygotes.

Submissions (2):

Illumina Laboratory Services, Illumina
Classification: Benign for Biotin-responsive basal ganglia disease. Last evaluated: 2018-01-13. Review status: criteria provided, single submitter. Criteria: ICSL Variant Classification Criteria 13 December 2019. Collection method: clinical testing. Allele origin: germline.
Comment: This variant was observed in the ICSL laboratory as part of a predisposition screen in an ostensibly healthy population. It had not been previously curated by ICSL or reported in the Human Gene Mutation Database (HGMD: prior to June 1st, 2018), and was therefore a candidate for classification through an automated scoring system. Utilizing variant allele frequency, disease prevalence and penetrance estimates, and inheritance mode, an automated score was calculated to assess if this variant is too frequent to cause the disease. Based on the score and internal cut-off values, a variant classified as benign is not then subjected to further curation. The score for this variant resulted in a classification of benign for this disease.

Breakthrough Genomics
Classification: Benign. Review status: criteria provided, single submitter. Criteria: ACMG Guidelines, 2015. Collection method: not provided. Allele origin: germline. Inheritance: Autosomal recessive inheritance. Affected: yes.

NM_025243.4(SLC19A3):c.*1815A>C

Gene: SLC19A3 (solute carrier family 19 member 3; minus strand). Cytogenetic location: 2q36.3.
Variant type: single nucleotide variant.
Coding change: c.*1815A>C on transcript NM_025243.4 (MANE Select); 1815 bases downstream of the stop codon, A replaced by C.
Molecular consequence: 3 prime UTR variant.
Genome position (GRCh38, 1-based): chr2:227,685,582, T>G on the plus strand (A>C on the coding strand, the complement: SLC19A3 is on the minus strand). VCF-style: chr2-227685582-T-G. GRCh37 (hg19) VCF-style: chr2-228550298-T-G.
Identifiers: ClinVar variation 334844 (VCV000334844.7), dbSNP rs34020562, ClinGen allele CA10614489.